The following is an entry in ClinVar:

ClinVar aggregate classification (germline): Likely benign. Review status: criteria provided, multiple submitters, no conflicts (2 of 4 stars). 3 submissions from 3 submitters: Likely benign (3). Last evaluated 2025-12-11.

Conditions:
Hereditary breast ovarian cancer syndrome. Also called: Hereditary breast and ovarian cancer; Breast and ovarian cancer; BRCA1- and BRCA2-Associated Hereditary Breast and Ovarian Cancer; Hereditary breast and ovarian cancer syndrome; Hereditary breast and ovarian cancer syndrome (HBOC); Hereditary breast and/or ovarian cancer syndrome. Identifiers: Orphanet 145, MedGen C0677776, MeSH D061325, MONDO:0003582. Disease mechanism: loss of function.
Hereditary cancer-predisposing syndrome. Also called: Hereditary Cancer Syndrome; Hereditary neoplastic syndrome; Neoplastic Syndromes, Hereditary; Tumor predisposition. Identifiers: Orphanet 140162, MedGen C0027672, MeSH D009386, MONDO:0015356.

gnomAD v4.1: 1 of 1,613,546 alleles (0.000062%); highest among the groups gnomAD compares: Non-Finnish European, 0.000085%; no homozygotes.

Submissions (3):

Ambry Genetics
Classification: Likely benign for Hereditary cancer-predisposing syndrome. Last evaluated: 2025-12-11. Review status: criteria provided, single submitter. Criteria: Ambry Variant Classification Scheme 2023. Collection method: clinical testing. Allele origin: germline.

Labcorp Genetics (formerly Invitae), Labcorp
Classification: Likely benign for Hereditary breast ovarian cancer syndrome. Last evaluated: 2022-07-06. Review status: criteria provided, single submitter. Criteria: Invitae Variant Classification Sherloc (09022015). Collection method: clinical testing. Allele origin: germline.

GeneDx
Classification: Likely benign. Last evaluated: 2021-11-01. Review status: criteria provided, single submitter. Criteria: GeneDx Variant Classification Process June 2021. Collection method: clinical testing. Allele origin: germline. Affected: yes.
Comment: Not observed in large population cohorts (Lek et al., 2016)

NM_007294.4(BRCA1):c.612G>A (p.Leu204=)

Gene: BRCA1 (BRCA1 DNA repair associated; minus strand). Cytogenetic location: 17q21.31.
Variant type: single nucleotide variant.
Coding change: c.612G>A on transcript NM_007294.4 (MANE Select); coding-DNA position 612, G replaced by A.
Protein change: p.Leu204=; no amino-acid change (leucine 204 retained).
Molecular consequence: synonymous variant. On other transcripts: intron variant (115).
Genome position (GRCh38, 1-based): chr17:43,095,904, C>T on the plus strand (G>A on the coding strand, the complement: BRCA1 is on the minus strand). VCF-style: chr17-43095904-C-T. GRCh37 (hg19) VCF-style: chr17-41247921-C-T.
Other names: c.468G>A, p.Leu156= (NM_001407749.1, NM_001407838.1, NM_001407839.1 and 26 more transcripts); c.471G>A, p.Leu157= (NM_001407750.1, NM_001407751.1, NM_001407752.1 and 43 more transcripts); c.612G>A, p.Leu204= (NM_001407858.1, NM_001407859.1, NM_001407854.1 and 59 more transcripts); c.402G>A, p.Leu134= (NM_001407881.1, NM_001407882.1, NM_001407884.1 and 27 more transcripts); c.399G>A, p.Leu133= (NM_001407853.1, NM_001407894.1, NM_001407895.1 and 12 more transcripts); c.609G>A, p.Leu203= (NM_001407860.1, NM_001407861.1, NM_001407587.1 and 41 more transcripts); c.231G>A, p.Leu77= (NM_001408510.1, NM_001407959.1, NM_001407960.1 and 1 more transcripts); c.-218-1044G>A (NM_001407967.1, NM_001407966.1); and 17 more.
Identifiers: ClinVar variation 756892 (VCV000756892.13), dbSNP rs80357394, ClinGen allele CA500124079.